The following is an entry in ClinVar:

ClinVar aggregate classification (germline): Uncertain significance (1 of 4 stars; one submission).

Conditions:
Symmetrical dyschromatosis of extremities (DSH). Also called: DYSCHROMATOSIS SYMMETRICA HEREDITARIA 1; RETICULATE ACROPIGMENTATION OF DOHI; SYMMETRIC DYSCHROMATOSIS OF THE EXTREMITIES; Dyschromatosis symmetrica hereditaria. Identifiers: Orphanet 41, MedGen C0406775, MONDO:0007483, OMIM 127400.
Aicardi-Goutieres syndrome 6 (AGS6). Identifiers: Orphanet 51, MedGen C3539013, MONDO:0014007, OMIM 615010.

Submission:

Labcorp Genetics (formerly Invitae), Labcorp
Classification: Uncertain significance for Aicardi-Goutieres syndrome 6; Symmetrical dyschromatosis of extremities. Last evaluated: 2023-04-09. Review status: criteria provided, single submitter. Criteria: Invitae Variant Classification Sherloc (09022015). Collection method: clinical testing. Allele origin: germline.
Comment: This sequence change falls in intron 13 of the ADAR gene. It does not directly change the encoded amino acid sequence of the ADAR protein. It affects a nucleotide within the consensus splice site. This variant is not present in population databases (gnomAD no frequency). This variant has not been reported in the literature in individuals affected with ADAR-related conditions. Variants that disrupt the consensus splice site are a relatively common cause of aberrant splicing (PMID: 17576681, 9536098). Algorithms developed to predict the effect of sequence changes on RNA splicing suggest that this variant is not likely to affect RNA splicing. In summary, the available evidence is currently insufficient to determine the role of this variant in disease. Therefore, it has been classified as a Variant of Uncertain Significance.

Literature cited by the submitters: PubMed 17576681; PubMed 9536098.

NM_001111.5(ADAR):c.3315+6A>C

Gene: ADAR (adenosine deaminase RNA specific; minus strand). Cytogenetic location: 1q21.3.
Variant type: single nucleotide variant.
Coding change: c.3315+6A>C on transcript NM_001111.5 (MANE Select); 6 bases into the intron after coding-DNA position 3315, A replaced by C.
Molecular consequence: intron variant.
Genome position (GRCh38, 1-based): chr1:154,585,747, T>G on the plus strand (A>C on the coding strand, the complement: ADAR is on the minus strand). VCF-style: chr1-154585747-T-G. GRCh37 (hg19) VCF-style: chr1-154558223-T-G.
Other names: c.2430+6A>C (NM_001365046.1, NM_001025107.3, NM_001365048.1 and 2 more transcripts); c.3342+6A>C (NM_001365045.1); c.2352+6A>C (NM_001365049.1); c.3180+6A>C (NM_015841.4); c.3237+6A>C (NM_015840.4).
Identifiers: ClinVar variation 2933657 (VCV002933657.3), dbSNP rs2526456252, ClinGen allele CA2740090379.